The following is an entry in ClinVar:

ClinVar aggregate classification (germline): Uncertain significance. Review status: criteria provided, multiple submitters, no conflicts (2 of 4 stars). 2 submissions from 2 submitters: Uncertain significance (2). Last evaluated 2024-06-04.

Conditions:
Cardiovascular phenotype. Identifiers: MedGen CN230736.
Hereditary cancer-predisposing syndrome. Also called: Neoplastic Syndromes, Hereditary; Tumor predisposition; Hereditary Cancer Syndrome; Hereditary neoplastic syndrome. Identifiers: Orphanet 140162, MedGen C0027672, MeSH D009386, MONDO:0015356.

gnomAD v4.1: 3 of 1,613,956 alleles (0.00019%); highest among the groups gnomAD compares: South Asian, 0.0011%; no homozygotes.

Submissions (2):

Labcorp Genetics (formerly Invitae), Labcorp
Classification: Uncertain significance. Last evaluated: 2024-06-04. Review status: criteria provided, single submitter. Criteria: Invitae Variant Classification Sherloc (09022015). Collection method: clinical testing. Allele origin: germline.
Comment: This sequence change replaces tyrosine, which is neutral and polar, with cysteine, which is neutral and slightly polar, at codon 352 of the LZTR1 protein (p.Tyr352Cys). This variant is present in population databases (rs368649599, gnomAD 0.0009%). This variant has not been reported in the literature in individuals affected with LZTR1-related conditions. ClinVar contains an entry for this variant (Variation ID: 1778308). Advanced modeling of protein sequence and biophysical properties (such as structural, functional, and spatial information, amino acid conservation, physicochemical variation, residue mobility, and thermodynamic stability) performed at Invitae indicates that this missense variant is not expected to disrupt LZTR1 protein function with a negative predictive value of 80%. In summary, the available evidence is currently insufficient to determine the role of this variant in disease. Therefore, it has been classified as a Variant of Uncertain Significance.

Ambry Genetics
Classification: Uncertain significance for Cardiovascular phenotype; Hereditary cancer-predisposing syndrome. Last evaluated: 2021-08-04. Review status: criteria provided, single submitter. Criteria: Ambry Variant Classification Scheme 2023. Collection method: clinical testing. Allele origin: germline.
Comment: The p.Y352C variant (also known as c.1055A>G), located in coding exon 10 of the LZTR1 gene, results from an A to G substitution at nucleotide position 1055. The tyrosine at codon 352 is replaced by cysteine, an amino acid with highly dissimilar properties. This amino acid position is poorly conserved in available vertebrate species. In addition, this alteration is predicted to be tolerated by in silico analysis. Since supporting evidence is limited at this time, the clinical significance of this alteration remains unclear.

NM_006767.4(LZTR1):c.1055A>G (p.Tyr352Cys)

Gene: LZTR1 (leucine zipper like post translational regulator 1; plus strand). Cytogenetic location: 22q11.21.
Variant type: single nucleotide variant.
Coding change: c.1055A>G on transcript NM_006767.4 (MANE Select); coding-DNA position 1055, A replaced by G.
Protein change: p.Tyr352Cys; replaces tyrosine 352 with cysteine.
Molecular consequence: missense variant.
Genome position (GRCh38, 1-based): chr22:20,992,275, A>G. VCF-style: chr22-20992275-A-G. GRCh37 (hg19) VCF-style: chr22-21346564-A-G.
Other names: short protein forms Y352C.
Identifiers: ClinVar variation 1778308 (VCV001778308.4), dbSNP rs368649599, ClinGen allele CA10118710.
Genomic context (GRCh38, chr22:20,992,275, plus strand): 5'-TTGGTGGGGCTGAAGTGCCCGAGCGAGCCTGTGCTTCCGAGGAGGTGCCCACCCTGACCT[A>G]TGAGGAGCGGGTTGGCTTCAAGAAGTCCCGAGATGTGTTTGGCCTGGACTTTGGCACCAC-3'
Protein context (NP_006758.2, residues 342-362): CASEEVPTLT[Tyr352Cys]EERVGFKKSR